The following is an entry in ClinVar:

NM_000492.4(CFTR):c.1589T>C (p.Ile530Thr)

Genes: CFTR (CF transmembrane conductance regulator; plus strand), LOC111674475 (CFTR intron 11 enhancer; plus strand). Cytogenetic location: 7q31.2.
Variant type: single nucleotide variant.
Coding change: c.1589T>C on transcript NM_000492.4 (MANE Select); coding-DNA position 1589, T replaced by C.
Protein change: p.Ile530Thr; replaces isoleucine 530 with threonine.
Molecular consequence: missense variant.
Genome position (GRCh38, 1-based): chr7:117,587,743, T>C. VCF-style: chr7-117587743-T-C. GRCh37 (hg19) VCF-style: chr7-117227797-T-C.
Other names: short protein forms I530T.
Identifiers: ClinVar variation 3769502 (VCV003769502.2).

ClinVar aggregate classification (germline): Uncertain significance (1 of 4 stars; one submission).

Submission:

Women's Health and Genetics/Laboratory Corporation of America, LabCorp
Classification: Uncertain significance. Last evaluated: 2025-01-21. Review status: criteria provided, single submitter. Criteria: LabCorp Variant Classification Summary - May 2015. Collection method: clinical testing. Allele origin: germline.
Comment: Variant summary: CFTR c.1589T>C (p.Ile530Thr) results in a non-conservative amino acid change located in the ATP-binding cassette domain of the cystic fibrosis transmembrane regulator, subfamily C (IPR047082) of the encoded protein sequence. Five of five in-silico tools predict a damaging effect of the variant on protein function. The variant was absent in 250900 control chromosomes (gnomAD). The available data on variant occurrences in the general population are insufficient to allow any conclusion about variant significance. c.1589T>C has been reported in the literature in at least an individual in compound heterozygous state with another pathogenic variant affected with cystic fibrosis (Petrova_2020). These data do not allow any conclusion about variant significance. To our knowledge, no experimental evidence demonstrating an impact on protein function has been reported. The following publication has been ascertained in the context of this evaluation (PMID: 32429104). No submitters have cited clinical-significance assessments for this variant to ClinVar. Based on the evidence outlined above, the variant was classified as uncertain significance.

Literature cited by the submitters: PubMed 32429104.